The following is an entry in ClinVar:

ClinVar aggregate classification (germline): Uncertain significance (1 of 4 stars; one submission).

Submission:

Labcorp Genetics (formerly Invitae), Labcorp
Classification: Uncertain significance. Last evaluated: 2021-02-17. Review status: criteria provided, single submitter. Criteria: Invitae Variant Classification Sherloc (09022015). Collection method: clinical testing. Allele origin: germline.
Comment: In summary, the available evidence is currently insufficient to determine the role of this variant in disease. Therefore, it has been classified as a Variant of Uncertain Significance. Algorithms developed to predict the effect of missense changes on protein structure and function are either unavailable or do not agree on the potential impact of this missense change (SIFT: "Not Available"; PolyPhen-2: "Benign"; Align-GVGD: "Not Available"). This variant has not been reported in the literature in individuals with SAMD9L-related conditions. This variant is not present in population databases (ExAC no frequency). This sequence change replaces lysine with asparagine at codon 130 of the SAMD9L protein (p.Lys130Asn). The lysine residue is weakly conserved and there is a moderate physicochemical difference between lysine and asparagine.

NM_152703.5(SAMD9L):c.390A>T (p.Lys130Asn)

Gene: SAMD9L (sterile alpha motif domain containing 9 like; minus strand). Cytogenetic location: 7q21.2.
Variant type: single nucleotide variant.
Coding change: c.390A>T on transcript NM_152703.5 (MANE Select); coding-DNA position 390, A replaced by T.
Protein change: p.Lys130Asn; replaces lysine 130 with asparagine.
Molecular consequence: missense variant.
Genome position (GRCh38, 1-based): chr7:93,135,582, T>A on the plus strand (A>T on the coding strand, the complement: SAMD9L is on the minus strand). VCF-style: chr7-93135582-T-A. GRCh37 (hg19) VCF-style: chr7-92764895-T-A.
Other names: c.390A>T, p.Lys130Asn (NM_001303496.3, NM_001303497.3, NM_001303498.3 and 5 more transcripts); short protein forms K130N.
Identifiers: ClinVar variation 1511141 (VCV001511141.6), dbSNP rs773313289, ClinGen allele CA368203538.
Genomic context (GRCh38, chr7:93,135,582, plus strand): 5'-GTGTTTAGCATTTGCTACTTCATCTAACACATTTTCTTTCATAAGAATTGATTCTTCTTG[T>A]TTGATATCTCTGATCTCTCTGGGATCATAATCAATATTAGATGACATTGAATTTTCTTCT-3'
Protein context (NP_689916.2, residues 120-140): DYDPREIRDI[Lys130Asn]QEESILMKEN